The following is an entry in ClinVar:

NM_000548.5(TSC2):c.3263T>C (p.Leu1088Pro)

Gene: TSC2 (TSC complex subunit 2; plus strand). Cytogenetic location: 16p13.3.
Variant type: single nucleotide variant.
Coding change: c.3263T>C on transcript NM_000548.5 (MANE Select); coding-DNA position 3263, T replaced by C.
Protein change: p.Leu1088Pro; replaces leucine 1088 with proline.
Molecular consequence: missense variant. On other transcripts: non-coding transcript variant (5).
Genome position (GRCh38, 1-based): chr16:2,079,407, T>C. VCF-style: chr16-2079407-T-C. GRCh37 (hg19) VCF-style: chr16-2129408-T-C.
Other names: c.3131T>C, p.Leu1044Pro (NM_001077183.3, NM_001370404.1, NM_001406665.1); c.3263T>C, p.Leu1088Pro (NM_001114382.3); c.3023T>C, p.Leu1008Pro (NM_001318827.2); c.2987T>C, p.Leu996Pro (NM_001318829.2); c.2531T>C, p.Leu844Pro (NM_001318831.2, NM_001406687.1, NM_001406688.1); c.3164T>C, p.Leu1055Pro (NM_001318832.2); c.3134T>C, p.Leu1045Pro (NM_001363528.2, NM_001370405.1, NM_021055.3); c.3260T>C, p.Leu1087Pro (NM_001406663.1, NM_001406664.1); and 18 more; short protein forms L1007P, L1008P, L1025P, L1038P, L1039P, L1040P, L1041P, L1044P.
Identifiers: ClinVar variation 2679350 (VCV002679350.2), dbSNP rs753860755, ClinGen allele CA394286208.
Genomic context (GRCh38, chr16:2,079,407, plus strand): 5'-CTGTGACGACAAGCGTGGGAACCGGGACCCGGTCGTTACTAGGCCTGGACTCGGGGGAGC[T>C]GCAGTCCGGCCCGGAGTCGAGGTGACTGCACCTTCCTTTCCTCCGCGCCTGCCAGCCTCG-3'
Protein context (NP_000539.2, residues 1078-1098): RSLLGLDSGE[Leu1088Pro]QSGPESSSSP

ClinVar aggregate classification (germline): Uncertain significance. Review status: criteria provided, multiple submitters, no conflicts (2 of 4 stars). 2 submissions from 2 submitters: Uncertain significance (2). Last evaluated 2025-04-09.

Conditions:
Isolated focal cortical dysplasia type II (FCORD2). Also called: Focal cortical dysplasia type II; CORTICAL DYSPLASIA OF TAYLOR. Identifiers: Orphanet 268994, MedGen C1846385, MONDO:0011818, OMIM 607341, HP:0032051.
Tuberous sclerosis 2 (TSC2). Identifiers: Orphanet 805, MedGen C1860707, MONDO:0013199, OMIM 613254.

Submissions (2):

Labcorp Genetics (formerly Invitae), Labcorp
Classification: Uncertain significance for Tuberous sclerosis 2. Last evaluated: 2025-04-09. Review status: criteria provided, single submitter. Criteria: Invitae Variant Classification Sherloc (09022015). Collection method: clinical testing. Allele origin: germline.
Comment: This sequence change replaces leucine, which is neutral and non-polar, with proline, which is neutral and non-polar, at codon 1088 of the TSC2 protein (p.Leu1088Pro). This variant is not present in population databases (gnomAD no frequency). This variant has not been reported in the literature in individuals affected with TSC2-related conditions. ClinVar contains an entry for this variant (Variation ID: 2679350). Invitae Evidence Modeling of protein sequence and biophysical properties (such as structural, functional, and spatial information, amino acid conservation, physicochemical variation, residue mobility, and thermodynamic stability) indicates that this missense variant is not expected to disrupt TSC2 protein function with a negative predictive value of 95%. In summary, the available evidence is currently insufficient to determine the role of this variant in disease. Therefore, it has been classified as a Variant of Uncertain Significance.

Baylor Genetics
Classification: Uncertain significance for Isolated focal cortical dysplasia type II. Last evaluated: 2020-12-23. Review status: criteria provided, single submitter. Criteria: ACMG Guidelines, 2015. Collection method: clinical testing. Allele origin: unknown.